The following is an entry in ClinVar:

ClinVar aggregate classification (germline): Pathogenic (1 of 4 stars; one submission).

Submission:

Labcorp Genetics (formerly Invitae), Labcorp
Classification: Pathogenic. Last evaluated: 2024-08-31. Review status: criteria provided, single submitter. Criteria: Invitae Variant Classification Sherloc (09022015). Collection method: clinical testing. Allele origin: germline.
Comment: This sequence change creates a premature translational stop signal (p.Gln1146*) in the DCHS1 gene. It is expected to result in an absent or disrupted protein product. Loss-of-function variants in DCHS1 are known to be pathogenic (PMID: 24056717, 26258302). This variant is not present in population databases (gnomAD no frequency). This variant has not been reported in the literature in individuals affected with DCHS1-related conditions. For these reasons, this variant has been classified as Pathogenic.

Literature cited by the submitters: PubMed 24056717; PubMed 26258302.

NM_003737.4(DCHS1):c.3436C>T (p.Gln1146Ter)

Gene: DCHS1 (dachsous cadherin-related 1; minus strand). Cytogenetic location: 11p15.4.
Variant type: single nucleotide variant.
Coding change: c.3436C>T on transcript NM_003737.4 (MANE Select); coding-DNA position 3436, C replaced by T.
Protein change: p.Gln1146Ter; replaces glutamine 1146 with a stop codon.
Molecular consequence: nonsense.
Genome position (GRCh38, 1-based): chr11:6,632,076, G>A on the plus strand (C>T on the coding strand, the complement: DCHS1 is on the minus strand). VCF-style: chr11-6632076-G-A. GRCh37 (hg19) VCF-style: chr11-6653307-G-A.
Other names: short protein forms Q1146*.
Identifiers: ClinVar variation 3664104 (VCV003664104.2).